The following is an entry in ClinVar:

NM_012205.3(HAAO):c.128G>A (p.Arg43Lys)

Gene: HAAO (3-hydroxyanthranilate 3,4-dioxygenase; minus strand). Cytogenetic location: 2p21.
Variant type: single nucleotide variant.
Coding change: c.128G>A on transcript NM_012205.3 (MANE Select); coding-DNA position 128, G replaced by A.
Protein change: p.Arg43Lys; replaces arginine 43 with lysine.
Molecular consequence: missense variant.
Genome position (GRCh38, 1-based): chr2:42,788,560, C>T on the plus strand (G>A on the coding strand, the complement: HAAO is on the minus strand). VCF-style: chr2-42788560-C-T. GRCh37 (hg19) VCF-style: chr2-43015700-C-T.
Other names: short protein forms R43K.
Identifiers: ClinVar variation 988084 (VCV000988084.6), dbSNP rs1672558841, ClinGen allele CA346627388.

ClinVar aggregate classification (germline): Conflicting classifications of pathogenicity. Review status: criteria provided, conflicting classifications (1 of 4 stars). 4 submissions from 4 submitters: Likely pathogenic (1); Uncertain significance (1). 2 of the submissions do not count toward it. Last evaluated 2025-10-30.

Conditions:
Congenital NAD deficiency disorder. Identifiers: MedGen CN241975.
Vertebral, cardiac, renal, and limb defects syndrome 1. Also called: 3-HYDROXYANTHRANILIC ACIDEMIA; CONGENITAL NAD DEFICIENCY DISORDER 1. Identifiers: MedGen C4540004, MONDO:0060554, OMIM 617660.

Allele frequency attached by ClinVar (database versions not stated): gnomAD exomes below 0.00001; TOPMed below 0.00001.

Submissions (4):

GeneDx
Classification: Likely pathogenic. Last evaluated: 2025-10-30. Review status: criteria provided, single submitter. Criteria: GeneDx Variant Classification Process June 2021. Collection method: clinical testing. Allele origin: germline. Affected: yes.
Comment: Published functional study demonstrates that the variant significantly reduces NAD levels and disrupts enzyme function (PMID: 33942433); Not observed at significant frequency in large population cohorts (gnomAD); In silico analysis supports that this missense variant has a deleterious effect on protein structure/function; This variant is associated with the following publications: (PMID: 33942433)

Genomic Medicine Lab, University of California San Francisco
Classification: Uncertain significance for Vertebral, cardiac, renal, and limb defects syndrome 1. Last evaluated: 2019-06-27. Review status: criteria provided, single submitter. Criteria: ACMG Guidelines, 2015. Collection method: clinical testing. Allele origin: maternal. Inheritance: Autosomal recessive inheritance. Affected: yes. Study: CSER-P3EGS.

OMIM
Classification: Pathogenic for VERTEBRAL, CARDIAC, RENAL, AND LIMB DEFECTS SYNDROME 1. Last evaluated: 2022-07-15. Review status: no assertion criteria provided. Collection method: literature only. Allele origin: germline. Not counted in ClinVar's aggregate classification.

Embryology Laboratory, Victor Chang Cardiac Research Institute
Classification: Pathogenic for Congenital NAD Deficiency Disorder. Last evaluated: 2020-11-11. Review status: no assertion criteria provided. Collection method: research. Allele origin: inherited. Inheritance: Autosomal recessive inheritance. Affected: yes. Observed: 1 variant allele, 1 compound heterozygote. Not counted in ClinVar's aggregate classification.
Comment: This variant, c.128G>A, was found in compound heterozygosity with the pathogenic variant c.141C>A

Literature cited by the submitters: PubMed 33942433 (cited by OMIM and Embryology Laboratory, Victor Chang Cardiac Research Institute).